The following is an entry in ClinVar:

ClinVar aggregate classification (germline): Uncertain significance. Review status: criteria provided, multiple submitters, no conflicts (2 of 4 stars). 2 submissions from 2 submitters: Uncertain significance (2). Last evaluated 2025-12-01.

Conditions:
Charcot-Marie-Tooth disease type 2. Also called: Charcot-Marie-Tooth type 2. Identifiers: Orphanet 64746, MedGen C0270914, MONDO:0018993.

Allele frequency attached by ClinVar (database versions not stated): gnomAD exomes below 0.00001.
gnomAD v4.1: 1 of 1,614,208 alleles (0.000062%); highest among the groups gnomAD compares: South Asian, 0.0011%; no homozygotes.

Submissions (2):

Ambry Genetics
Classification: Uncertain significance. Last evaluated: 2025-12-01. Review status: criteria provided, single submitter. Criteria: Ambry Variant Classification Scheme 2023. Collection method: clinical testing. Allele origin: germline.
Comment: The c.3121+4T>C intronic variant results from a T to C substitution 4 nucleotides after coding exon 27 in the KIF1B gene. This nucleotide position is poorly conserved in available vertebrate species. In silico splice site analysis predicts that this alteration will not have any significant effect on splicing. The evidence for this gene-disease relationship is limited; therefore, the clinical significance of this alteration is unclear.

Labcorp Genetics (formerly Invitae), Labcorp
Classification: Uncertain significance for Charcot-Marie-Tooth disease type 2. Last evaluated: 2025-04-29. Review status: criteria provided, single submitter. Criteria: Invitae Variant Classification Sherloc (09022015). Collection method: clinical testing. Allele origin: germline.
Comment: This sequence change falls in intron 28 of the KIF1B gene. It does not directly change the encoded amino acid sequence of the KIF1B protein. It affects a nucleotide within the consensus splice site. This variant is not present in population databases (gnomAD no frequency). This variant has not been reported in the literature in individuals affected with KIF1B-related conditions. ClinVar contains an entry for this variant (Variation ID: 1727866). Variants that disrupt the consensus splice site are a relatively common cause of aberrant splicing (PMID: 17576681, 9536098). Algorithms developed to predict the effect of sequence changes on RNA splicing suggest that this variant is not likely to affect RNA splicing. In summary, the available evidence is currently insufficient to determine the role of this variant in disease. Therefore, it has been classified as a Variant of Uncertain Significance.

Literature cited by the submitters: PubMed 17576681 (cited by Labcorp Genetics (formerly Invitae), Labcorp); PubMed 9536098 (cited by Labcorp Genetics (formerly Invitae), Labcorp).

NM_001365951.3(KIF1B):c.3259+4T>C

Gene: KIF1B (kinesin family member 1B; plus strand). Cytogenetic location: 1p36.22.
Variant type: single nucleotide variant.
Coding change: c.3259+4T>C on transcript NM_001365951.3 (MANE Select); 4 bases into the intron after coding-DNA position 3259, T replaced by C.
Molecular consequence: intron variant.
Genome position (GRCh38, 1-based): chr1:10,337,207, T>C. VCF-style: chr1-10337207-T-C. GRCh37 (hg19) VCF-style: chr1-10397265-T-C.
Other names: c.3121+4T>C (NM_015074.3); c.3259+4T>C (NM_001365952.1).
Identifiers: ClinVar variation 1727866 (VCV001727866.5), dbSNP rs2521719828, ClinGen allele CA2580060455.